The following is an entry in ClinVar:

ClinVar aggregate classification (germline): Benign (1 of 4 stars; one submission).

Conditions:
Congenital isolated adrenocorticotropic hormone deficiency. Also called: ACTH DEFICIENCY, ISOLATED; ACTH deficiency; Adrenocorticotropic hormone deficiency. Identifiers: Orphanet 199296, MedGen C0342388, MONDO:0008720, OMIM 201400, HP:0011748.

Allele frequency attached by ClinVar (database versions not stated): gnomAD 0.00066 and 0.00097; TOPMed 0.00099; 1000 Genomes Project 30x 0.00562; 1000 Genomes Project 0.00639.

Submission:

Illumina Laboratory Services, Illumina
Classification: Benign for Congenital isolated adrenocorticotropic hormone deficiency. Last evaluated: 2018-01-13. Review status: criteria provided, single submitter. Criteria: ICSL Variant Classification Criteria 13 December 2019. Collection method: clinical testing. Allele origin: germline.
Comment: This variant was observed in the ICSL laboratory as part of a predisposition screen in an ostensibly healthy population. It had not been previously curated by ICSL or reported in the Human Gene Mutation Database (HGMD: prior to June 1st, 2018), and was therefore a candidate for classification through an automated scoring system. Utilizing variant allele frequency, disease prevalence and penetrance estimates, and inheritance mode, an automated score was calculated to assess if this variant is too frequent to cause the disease. Based on the score and internal cut-off values, a variant classified as benign is not then subjected to further curation. The score for this variant resulted in a classification of benign for this disease.

NM_005149.3(TBX19):c.*1234C>T

Gene: TBX19 (T-box transcription factor 19; plus strand). Cytogenetic location: 1q24.2.
Variant type: single nucleotide variant.
Coding change: c.*1234C>T on transcript NM_005149.3 (MANE Select); 1234 bases downstream of the stop codon, C replaced by T.
Molecular consequence: 3 prime UTR variant.
Genome position (GRCh38, 1-based): chr1:168,314,236, C>T. VCF-style: chr1-168314236-C-T. GRCh37 (hg19) VCF-style: chr1-168283474-C-T.
Identifiers: ClinVar variation 293501 (VCV000293501.5), dbSNP rs149712948, ClinGen allele CA10608248.